The following is an entry in ClinVar:

ClinVar aggregate classification (germline): Uncertain significance. Review status: criteria provided, multiple submitters, no conflicts (2 of 4 stars). 2 submissions from 2 submitters: Uncertain significance (2). Last evaluated 2025-09-10.

Conditions:
Inborn genetic diseases. Identifiers: MedGen C0950123, MeSH D030342.
Mitochondrial complex V (ATP synthase) deficiency, nuclear type 2. Also called: Nuclear-Encoded ATPase Deficiency, TMEM70-Related; ENCEPHALOCARDIOMYOPATHY, MITOCHONDRIAL, NEONATAL, DUE TO ATP SYNTHASE DEFICIENCY; MITOCHONDRIAL COMPLEX V (ATP SYNTHASE) DEFICIENCY, TMEM70 TYPE. Identifiers: Orphanet 1194, MedGen C3279699, MONDO:0013546, OMIM 614052.

Allele frequency attached by ClinVar (database versions not stated): TOPMed 0.00002; ExAC 0.00003; gnomAD 0.00005; gnomAD exomes below 0.00001 and 0.00002.
gnomAD v4.1: 11 of 1,614,026 alleles (0.00068%); highest among the groups gnomAD compares: African/African-American, 0.015%; no homozygotes.

Submissions (2):

Ambry Genetics
Classification: Uncertain significance for Inborn genetic diseases. Last evaluated: 2025-09-10. Review status: criteria provided, single submitter. Criteria: Ambry Variant Classification Scheme 2023. Collection method: clinical testing. Allele origin: germline.

Labcorp Genetics (formerly Invitae), Labcorp
Classification: Uncertain significance for Mitochondrial complex V (ATP synthase) deficiency, nuclear type 2. Last evaluated: 2022-04-16. Review status: criteria provided, single submitter. Criteria: Invitae Variant Classification Sherloc (09022015). Collection method: clinical testing. Allele origin: germline.
Comment: This sequence change replaces glutamine, which is neutral and polar, with lysine, which is basic and polar, at codon 197 of the TMEM70 protein (p.Gln197Lys). This variant is present in population databases (rs775211044, gnomAD 0.01%). This variant has not been reported in the literature in individuals affected with TMEM70-related conditions. ClinVar contains an entry for this variant (Variation ID: 1037663). Algorithms developed to predict the effect of missense changes on protein structure and function (SIFT, PolyPhen-2, Align-GVGD) all suggest that this variant is likely to be tolerated. In summary, the available evidence is currently insufficient to determine the role of this variant in disease. Therefore, it has been classified as a Variant of Uncertain Significance.

NM_017866.6(TMEM70):c.589C>A (p.Gln197Lys)

Gene: TMEM70 (transmembrane protein 70; plus strand). Cytogenetic location: 8q21.11.
Variant type: single nucleotide variant.
Coding change: c.589C>A on transcript NM_017866.6 (MANE Select); coding-DNA position 589, C replaced by A.
Protein change: p.Gln197Lys; replaces glutamine 197 with lysine.
Molecular consequence: missense variant. On other transcripts: 3 prime UTR variant (1), non-coding transcript variant (1).
Genome position (GRCh38, 1-based): chr8:73,981,427, C>A. VCF-style: chr8-73981427-C-A. GRCh37 (hg19) VCF-style: chr8-74893662-C-A.
Other names: c.*279C>A (NM_001040613.3); c.589C>A (NM_017866.5); short protein forms Q197K.
Identifiers: ClinVar variation 1037663 (VCV001037663.5), dbSNP rs775211044, ClinGen allele CA4784078.